The following is an entry in ClinVar:

ClinVar aggregate classification (germline): Uncertain significance (1 of 4 stars; one submission).

gnomAD v4.1: 1 of 1,613,772 alleles (0.000062%); highest among the groups gnomAD compares: Non-Finnish European, 0.000085%; no homozygotes.

Submission:

GeneDx
Classification: Uncertain significance. Last evaluated: 2025-04-24. Review status: criteria provided, single submitter. Criteria: GeneDx Variant Classification Process June 2021. Collection method: clinical testing. Allele origin: germline. Affected: yes.
Comment: Not observed at significant frequency in large population cohorts (gnomAD); In silico analysis supports that this missense variant has a deleterious effect on protein structure/function; Has not been previously published as pathogenic or benign to our knowledge

NM_001080449.3(DNA2):c.1522C>T (p.Pro508Ser)

Gene: DNA2 (DNA replication helicase/nuclease 2; minus strand). Cytogenetic location: 10q21.3.
Variant type: single nucleotide variant.
Coding change: c.1522C>T on transcript NM_001080449.3 (MANE Select); coding-DNA position 1522, C replaced by T.
Protein change: p.Pro508Ser; replaces proline 508 with serine.
Molecular consequence: missense variant. On other transcripts: non-coding transcript variant (1).
Genome position (GRCh38, 1-based): chr10:68,437,135, G>A on the plus strand (C>T on the coding strand, the complement: DNA2 is on the minus strand). VCF-style: chr10-68437135-G-A. GRCh37 (hg19) VCF-style: chr10-70196892-G-A.
Other names: short protein forms P508S.
Identifiers: ClinVar variation 4527404 (VCV004527404.1).
Genomic context (GRCh38, chr10:68,437,135, plus strand): 5'-ACAGTGACCTTTCTTCTCCACTTACAATAACTCTGTCACCTGCCATTAGATTTGTGACAG[G>A]TATGGCACCATGTTTACATTGGAAATTATGTAAATATTGCCCATCACAAACTATCTTTAC-3'
Protein context (NP_001073918.2, residues 498-518): HNFQCKHGAI[Pro508Ser]VTNLMAGDRV